The following is an entry in ClinVar:

NM_145207.3(AFG2A):c.382G>A (p.Ala128Thr)

Gene: AFG2A (AAA ATPase AFG2A; plus strand). Cytogenetic location: 4q28.1.
Variant type: single nucleotide variant.
Coding change: c.382G>A on transcript NM_145207.3 (MANE Select); coding-DNA position 382, G replaced by A.
Protein change: p.Ala128Thr; replaces alanine 128 with threonine.
Molecular consequence: missense variant.
Genome position (GRCh38, 1-based): chr4:122,929,133, G>A. VCF-style: chr4-122929133-G-A. GRCh37 (hg19) VCF-style: chr4-123850288-G-A.
Other names: c.379G>A, p.Ala127Thr (NM_001317799.2, NM_001345856.2); c.382G>A (NM_145207.2); short protein forms A128T, A127T.
Identifiers: ClinVar variation 1396713 (VCV001396713.8), dbSNP rs1465451211, ClinGen allele CA358100039.

ClinVar aggregate classification (germline): Uncertain significance. Review status: criteria provided, multiple submitters, no conflicts (2 of 4 stars). 2 submissions from 2 submitters: Uncertain significance (2). Last evaluated 2025-06-04.

Conditions:
Inborn genetic diseases. Identifiers: MedGen C0950123, MeSH D030342.
Microcephaly-intellectual disability-sensorineural hearing loss-epilepsy-abnormal muscle tone syndrome (NEDHSB). Also called: NEURODEVELOPMENTAL DISORDER WITH HEARING LOSS, SEIZURES, AND BRAIN ABNORMALITIES. Identifiers: Orphanet 457351, MedGen C4225276, MONDO:0014698, OMIM 616577.

Allele frequency attached by ClinVar (database versions not stated): gnomAD exomes below 0.00001; TOPMed below 0.00001; gnomAD 0.00001.
gnomAD v4.1: 3 of 1,613,370 alleles (0.00019%); highest among the groups gnomAD compares: South Asian, 0.0011%; no homozygotes.

Submissions (2):

Labcorp Genetics (formerly Invitae), Labcorp
Classification: Uncertain significance for Microcephaly-intellectual disability-sensorineural hearing loss-epilepsy-abnormal muscle tone syndrome. Last evaluated: 2025-06-04. Review status: criteria provided, single submitter. Criteria: Invitae Variant Classification Sherloc (09022015). Collection method: clinical testing. Allele origin: germline.
Comment: This sequence change replaces alanine, which is neutral and non-polar, with threonine, which is neutral and polar, at codon 128 of the SPATA5 protein (p.Ala128Thr). This variant is present in population databases (no rsID available, gnomAD 0.006%). This variant has not been reported in the literature in individuals affected with SPATA5-related conditions. ClinVar contains an entry for this variant (Variation ID: 1396713). Invitae Evidence Modeling of protein sequence and biophysical properties (such as structural, functional, and spatial information, amino acid conservation, physicochemical variation, residue mobility, and thermodynamic stability) indicates that this missense variant is not expected to disrupt SPATA5 protein function with a negative predictive value of 95%. In summary, the available evidence is currently insufficient to determine the role of this variant in disease. Therefore, it has been classified as a Variant of Uncertain Significance.

Ambry Genetics
Classification: Uncertain significance for Inborn genetic diseases. Last evaluated: 2025-05-23. Review status: criteria provided, single submitter. Criteria: Ambry Variant Classification Scheme 2023. Collection method: clinical testing. Allele origin: germline.